The following is an entry in ClinVar:

ClinVar aggregate classification (germline): Uncertain significance (1 of 4 stars; one submission).

Conditions:
Episodic ataxia type 2 (EA2). Also called: ACETAZOLAMIDE-RESPONSIVE HEREDITARY PAROXYSMAL CEREBELLAR ATAXIA; CEREBELLAR ATAXIA, PAROXYSMAL, ACETAZOLAMIDE-RESPONSIVE; CEREBELLOPATHY, HEREDITARY PAROXYSMAL; EPISODIC ATAXIA, NYSTAGMUS-ASSOCIATED; ATAXIA, EPISODIC, WITH NYSTAGMUS; ATAXIA, FAMILIAL PAROXYSMAL. Identifiers: Orphanet 97, MedGen C1720416, MONDO:0007163, OMIM 108500.
Developmental and epileptic encephalopathy, 42 (DEE42A). Also called: DEVELOPMENTAL AND EPILEPTIC ENCEPHALOPATHY 42A; EPILEPTIC ENCEPHALOPATHY, EARLY INFANTILE, 42A; Epileptic encephalopathy, early infantile, 42. Identifiers: MedGen C4310716, MONDO:0014917, OMIM 617106.

Submission:

Labcorp Genetics (formerly Invitae), Labcorp
Classification: Uncertain significance for Developmental and epileptic encephalopathy, 42; Episodic ataxia type 2. Last evaluated: 2018-02-27. Review status: criteria provided, single submitter. Criteria: Invitae Variant Classification Sherloc (09022015). Collection method: clinical testing. Allele origin: germline.
Comment: In summary, the available evidence is currently insufficient to determine the role of this variant in disease. Therefore, it has been classified as a Variant of Uncertain Significance. Algorithms developed to predict the effect of missense changes on protein structure and function do not agree on the potential impact of this missense change (SIFT: "Deleterious"; PolyPhen-2: "Possibly Damaging"; Align-GVGD: "Class C0"). This variant has not been reported in the literature in individuals with CACNA1A-related disease. This variant is not present in population databases (ExAC no frequency). This sequence change replaces isoleucine with asparagine at codon 458 of the CACNA1A protein (p.Ile458Asn). The isoleucine residue is moderately conserved and there is a large physicochemical difference between isoleucine and asparagine.

NM_001127222.2(CACNA1A):c.1370T>A (p.Ile457Asn)

Gene: CACNA1A (calcium voltage-gated channel subunit alpha1 A; minus strand). Cytogenetic location: 19p13.13.
Variant type: single nucleotide variant.
Coding change: c.1370T>A on transcript NM_001127222.2 (MANE Select); coding-DNA position 1370, T replaced by A.
Protein change: p.Ile457Asn; replaces isoleucine 457 with asparagine.
Molecular consequence: missense variant.
Genome position (GRCh38, 1-based): chr19:13,317,297, A>T on the plus strand (T>A on the coding strand, the complement: CACNA1A is on the minus strand). VCF-style: chr19-13317297-A-T. GRCh37 (hg19) VCF-style: chr19-13428111-A-T.
Other names: c.1373T>A, p.Ile458Asn (NM_000068.4, NM_001127221.2, NM_001174080.2 and 1 more transcripts); short protein forms I458N, I457N.
Identifiers: ClinVar variation 582805 (VCV000582805.9), dbSNP rs768383869, ClinGen allele CA404345966.